The following is an entry in ClinVar:

NM_033380.3(COL4A5):c.4481C>T (p.Ser1494Phe)

Gene: COL4A5 (collagen type IV alpha 5 chain; plus strand). Cytogenetic location: Xq22.3.
Variant type: single nucleotide variant.
Coding change: c.4481C>T on transcript NM_033380.3 (MANE Select); coding-DNA position 4481, C replaced by T.
Protein change: p.Ser1494Phe; replaces serine 1494 with phenylalanine.
Molecular consequence: missense variant.
Genome position (GRCh38, 1-based): chrX:108,687,647, C>T. VCF-style: chrX-108687647-C-T. GRCh37 (hg19) VCF-style: chrX-107930877-C-T.
Other names: c.4463C>T, p.Ser1488Phe (NM_000495.5); short protein forms S1488F, S1494F.
Identifiers: ClinVar variation 3724408 (VCV003724408.3), dbSNP rs104886283.

ClinVar aggregate classification (germline): Uncertain significance. Review status: criteria provided, multiple submitters, no conflicts (2 of 4 stars). 2 submissions from 2 submitters: Uncertain significance (2). Last evaluated 2025-01-07.

Conditions:
X-linked Alport syndrome (ATS1). Also called: COL4A5-Related Nephropathy; NEPHROPATHY AND DEAFNESS, X-LINKED. Identifiers: Orphanet 63, Orphanet 88917, MedGen C4746986, MONDO:0010520, OMIM 301050.

Submissions (2):

3billion
Classification: Uncertain significance for X-linked Alport syndrome. Last evaluated: 2025-01-07. Review status: criteria provided, single submitter. Criteria: ACMG Guidelines, 2015. Collection method: clinical testing. Allele origin: germline. Affected: yes.
Comment: The variant is not observed in the gnomAD v4.1.0 dataset. Predicted Consequence/Location: Missense variant In silico tool predictions suggest damaging effect of the variant on gene or gene product [REVEL: 0.93 (>=0.6, sensitivity 0.68 and specificity 0.92); 3Cnet: 0.97 (>=0.6, sensitivity 0.72 and precision 0.9)]. The same nucleotide change resulting in the same amino acid change has been previously reported to be associated with COL4A5-related disorder (PMID: 8940267). However, the evidence of pathogenicity is insufficient at this time. Therefore, this variant is classified as VUS according to the recommendation of ACMG/AMP guideline.

Labcorp Genetics (formerly Invitae), Labcorp
Classification: Uncertain significance. Last evaluated: 2024-03-01. Review status: criteria provided, single submitter. Criteria: Invitae Variant Classification Sherloc (09022015). Collection method: clinical testing. Allele origin: germline.
Comment: This sequence change replaces serine, which is neutral and polar, with phenylalanine, which is neutral and non-polar, at codon 1488 of the COL4A5 protein (p.Ser1488Phe). This variant is not present in population databases (gnomAD no frequency). This missense change has been observed in individual(s) with Alport syndrome (PMID: 8940267). This variant is also known as 4665C>T. Advanced modeling of protein sequence and biophysical properties (such as structural, functional, and spatial information, amino acid conservation, physicochemical variation, residue mobility, and thermodynamic stability) has been performed at Invitae for this missense variant, however the output from this modeling did not meet the statistical confidence thresholds required to predict the impact of this variant on COL4A5 protein function. In summary, the available evidence is currently insufficient to determine the role of this variant in disease. Therefore, it has been classified as a Variant of Uncertain Significance.

Literature cited by the submitters: PubMed 8940267 (cited by 3billion and Labcorp Genetics (formerly Invitae), Labcorp).